The following is an entry in ClinVar:

ClinVar aggregate classification (germline): Conflicting classifications of pathogenicity. Review status: criteria provided, conflicting classifications (1 of 4 stars). 3 submissions from 3 submitters: Uncertain significance (2); Likely benign (1). Last evaluated 2024-09-23.

Conditions:
Epidermolysis bullosa, junctional 7, with interstitial lung disease and nephrotic syndrome. Also called: Interstitial Lung Disease with Nephrotic Syndrome and Epidermolysis Bullosa; Interstitial lung disease, nephrotic syndrome, and epidermolysis bullosa, congenital. Identifiers: Orphanet 306504, MedGen C4518785, MONDO:0013881, OMIM 614748.

Allele frequency attached by ClinVar (database versions not stated): TOPMed 0.00008; ExAC 0.00011; gnomAD exomes 0.00012; gnomAD 0.00014; 1000 Genomes Project 30x 0.00016; 1000 Genomes Project 0.00020.
gnomAD v4.1: 200 of 1,612,606 alleles (0.012%); highest among the groups gnomAD compares: Non-Finnish European, 0.012%; no homozygotes.

Submissions (3):

Blueprint Genetics
Classification: Likely benign. Last evaluated: 2024-09-23. Review status: criteria provided, single submitter. Criteria: ACMG Guidelines, 2015. Collection method: clinical testing. Allele origin: germline.

Fulgent Genetics
Classification: Uncertain significance for Epidermolysis bullosa, junctional 7, with interstitial lung disease and nephrotic syndrome. Last evaluated: 2024-02-27. Review status: criteria provided, single submitter. Criteria: ACMG Guidelines, 2015. Collection method: clinical testing. Allele origin: germline.

Labcorp Genetics (formerly Invitae), Labcorp
Classification: Uncertain significance. Last evaluated: 2022-05-21. Review status: criteria provided, single submitter. Criteria: Invitae Variant Classification Sherloc (09022015). Collection method: clinical testing. Allele origin: germline.
Comment: This sequence change replaces arginine, which is basic and polar, with glutamine, which is neutral and polar, at codon 76 of the ITGA3 protein (p.Arg76Gln). This variant is present in population databases (rs201210478, gnomAD 0.08%). This variant has not been reported in the literature in individuals affected with ITGA3-related conditions. Algorithms developed to predict the effect of missense changes on protein structure and function output the following: SIFT: "Tolerated"; PolyPhen-2: "Benign"; Align-GVGD: "Class C0". The glutamine amino acid residue is found in multiple mammalian species, which suggests that this missense change does not adversely affect protein function. In summary, the available evidence is currently insufficient to determine the role of this variant in disease. Therefore, it has been classified as a Variant of Uncertain Significance.

NM_002204.4(ITGA3):c.227G>A (p.Arg76Gln)

Gene: ITGA3 (integrin subunit alpha 3; plus strand). Cytogenetic location: 17q21.33.
Variant type: single nucleotide variant.
Coding change: c.227G>A on transcript NM_002204.4 (MANE Select); coding-DNA position 227, G replaced by A.
Protein change: p.Arg76Gln; replaces arginine 76 with glutamine.
Molecular consequence: missense variant.
Genome position (GRCh38, 1-based): chr17:50,064,097, G>A. VCF-style: chr17-50064097-G-A. GRCh37 (hg19) VCF-style: chr17-48141461-G-A.
Other names: short protein forms R76Q.
Identifiers: ClinVar variation 2048565 (VCV002048565.3), dbSNP rs201210478, ClinGen allele CA8641182.